The following is an entry in ClinVar:

ClinVar aggregate classification (germline): Likely benign. Review status: criteria provided, single submitter (1 of 4 stars). 2 submissions from 2 submitters: Likely benign (1). 1 of the submissions does not count toward it. Last evaluated 2024-08-13.

Conditions:
TMC8-related disorder. Also called: TMC8-related condition.
Epidermodysplasia verruciformis. Identifiers: Orphanet 302, MedGen C0014522, MONDO:0009176.

gnomAD v4.1: 3 of 1,609,468 alleles (0.00019%); highest among the groups gnomAD compares: East Asian, 0.0022%; no homozygotes.

Submissions (2):

Labcorp Genetics (formerly Invitae), Labcorp
Classification: Likely benign for Epidermodysplasia verruciformis. Last evaluated: 2024-08-13. Review status: criteria provided, single submitter. Criteria: Invitae Variant Classification Sherloc (09022015). Collection method: clinical testing. Allele origin: germline.

PreventionGenetics, part of Exact Sciences
Classification: Likely benign for TMC8-related condition. Last evaluated: 2019-03-21. Review status: no assertion criteria provided. Collection method: clinical testing. Allele origin: germline. Not counted in ClinVar's aggregate classification.
Comment: This variant is classified as likely benign based on ACMG/AMP sequence variant interpretation guidelines (Richards et al. 2015 PMID: 25741868, with internal and published modifications).

NM_152468.5(TMC8):c.817-6G>C

Gene: TMC8 (transmembrane channel like 8; plus strand). Cytogenetic location: 17q25.3.
Variant type: single nucleotide variant.
Coding change: c.817-6G>C on transcript NM_152468.5 (MANE Select); 6 bases into the intron before coding-DNA position 817, G replaced by C.
Molecular consequence: intron variant.
Genome position (GRCh38, 1-based): chr17:78,134,388, G>C. VCF-style: chr17-78134388-G-C. GRCh37 (hg19) VCF-style: chr17-76130469-G-C.
Identifiers: ClinVar variation 3047314 (VCV003047314.4), dbSNP rs377044337, ClinGen allele CA8796623.